The following is an entry in ClinVar:

ClinVar aggregate classification (germline): Likely pathogenic (1 of 4 stars; one submission).

Conditions:
Tip-toe gait. Also called: Toe walking. Identifiers: MedGen C0427144, HP:0030051.

gnomAD v4.1: 1 of 1,613,568 alleles (0.000062%); highest among the groups gnomAD compares: Non-Finnish European, 0.000085%; no homozygotes.

Submission:

Practice for Gait Abnormalities, David Pomarino, Competency Network Toe Walking C/o Practice Pomarino
Classification: Likely pathogenic for Tip-toe gait. Last evaluated: 2020-09-11. Review status: criteria provided, single submitter. Criteria: ACMG Guidelines, 2015. Collection method: clinical testing. Allele origin: unknown. Affected: yes.
Comment: Myopathy refers to diseases that affect skeletal Muscles. These diseases attack muscle fibers, making muscles weak. Inherited myopathies are often caused by inheriting an abnormal gene mutation from a parent that causes the disease. Symptoms of congenital myopathies usually start at birth or in early childhood, but may not appear until the teen years or even later in adulthood. Congenital myopathies are somewhat unique compared with other inherited myopathies, as weakness typically affects all muscles and is often not progressive. Symptoms are: Muscle weakness, most commonly of upper arms and shoulders and thighs, muscle cramps, stiffness and spasms, fatigue with exertion and lack of energy. Our patients all walk on tiptoe, so they show similar symptoms. When we genetically test them with our toe walking panel, we find that around 90 per cent of them have a genetic variant that explains their toe walking. These can be assigned, for example, to the area of myopathies (such as variants of the COL6A3 gene), the area of hereditary neuropathies (such as variants of the KMT2C gene) or the area of metabolic diseases (such as variants of the PYGM gene). In a smaller group of patients with almost identical symptoms, no abnormality is found in the genes of our panel, but spastic paraplegia can be detected. In another small group of our toe walkers, no abnormalities can be detected in the genes analysed in our toe walking panel, nor do they suffer from spastic paraplegia, as is also the case with healthy children. In contrast to these, however, they show a tiptoe gait. These patients suffer from infantile cerebral palsy, in which toe walking can also be observed.

Literature cited by the submitters: PubMed 37091313.

NM_001267550.2(TTN):c.97399G>A (p.Gly32467Arg)

Genes: TTN (titin; minus strand), TTN-AS1 (TTN antisense RNA 1; plus strand). Cytogenetic location: 2q31.2.
Variant type: single nucleotide variant.
Coding change: c.97399G>A on transcript NM_001267550.2 (MANE Select); coding-DNA position 97399, G replaced by A.
Protein change: p.Gly32467Arg; replaces glycine 32467 with arginine.
Molecular consequence: missense variant. On other transcripts: non-coding transcript variant (1).
Genome position (GRCh38, 1-based): chr2:178,542,357, C>T on the plus strand (G>A on the coding strand, the complement: TTN is on the minus strand). VCF-style: chr2-178542357-C-T. GRCh37 (hg19) VCF-style: chr2-179407084-C-T.
Other names: c.92476G>A, p.Gly30826Arg (NM_001256850.1); c.70204G>A, p.Gly23402Arg (NM_003319.4); c.89695G>A, p.Gly29899Arg (NM_133378.4); c.70579G>A, p.Gly23527Arg (NM_133432.3); c.70780G>A, p.Gly23594Arg (NM_133437.4); short protein forms G23402R, G23527R, G23594R, G29899R, G30826R, G32467R.
Identifiers: ClinVar variation 1188844 (VCV001188844.3), dbSNP rs2154142487, ClinGen allele CA349439827.